The following is an entry in ClinVar:

ClinVar aggregate classification (germline): Uncertain significance (1 of 4 stars; one submission).

Submission:

Labcorp Genetics (formerly Invitae), Labcorp
Classification: Uncertain significance. Last evaluated: 2022-04-02. Review status: criteria provided, single submitter. Criteria: Invitae Variant Classification Sherloc (09022015). Collection method: clinical testing. Allele origin: germline.
Comment: In summary, the available evidence is currently insufficient to determine the role of this variant in disease. Therefore, it has been classified as a Variant of Uncertain Significance. Variants that disrupt the consensus splice site are a relatively common cause of aberrant splicing (PMID: 17576681, 9536098). Algorithms developed to predict the effect of sequence changes on RNA splicing suggest that this variant may create or strengthen a splice site. This variant has not been reported in the literature in individuals affected with GGCX-related conditions. This variant is not present in population databases (gnomAD no frequency). This sequence change affects codon 429 of the GGCX mRNA. It is a 'silent' change, meaning that it does not change the encoded amino acid sequence of the GGCX protein. This variant also falls at the last nucleotide of exon 9, which is part of the consensus splice site for this exon.

Literature cited by the submitters: PubMed 17576681; PubMed 9536098.

NM_000821.7(GGCX):c.1287G>A (p.Gly429=)

Gene: GGCX (gamma-glutamyl carboxylase; minus strand). Cytogenetic location: 2p11.2.
Variant type: single nucleotide variant.
Coding change: c.1287G>A on transcript NM_000821.7 (MANE Select); coding-DNA position 1287, G replaced by A.
Protein change: p.Gly429=; no amino-acid change (glycine 429 retained).
Molecular consequence: synonymous variant.
Genome position (GRCh38, 1-based): chr2:85,552,939, C>T on the plus strand (G>A on the coding strand, the complement: GGCX is on the minus strand). VCF-style: chr2-85552939-C-T. GRCh37 (hg19) VCF-style: chr2-85780062-C-T.
Other names: c.1116G>A, p.Gly372= (NM_001142269.4).
Identifiers: ClinVar variation 2103565 (VCV002103565.4), dbSNP rs2529678416, ClinGen allele CA427084921.
Genomic context (GRCh38, chr2:85,552,939, plus strand): 5'-AGACCCCAAAGCACAAGGGGGCTCTGAAGAACAGTAAATTGTCAGCATCAGACATCTCAC[C>T]CCAGGGTTAAGGTAGCCCAGTTCGCCAGTGCGGCCATCACGGTAGGTGATCTTCACGTGC-3'
Protein context (NP_000812.2, residues 419-439): RTGELGYLNP[Gly429=]VFTQSRRWKD